The following is an entry in ClinVar:

NM_020921.4(NIN):c.2457G>C (p.Gln819His)

Gene: NIN (ninein; minus strand). Cytogenetic location: 14q22.1.
Variant type: single nucleotide variant.
Coding change: c.2457G>C on transcript NM_020921.4 (MANE Select); coding-DNA position 2457, G replaced by C.
Protein change: p.Gln819His; replaces glutamine 819 with histidine.
Molecular consequence: missense variant. On other transcripts: intron variant (1).
Genome position (GRCh38, 1-based): chr14:50,758,573, C>G on the plus strand (G>C on the coding strand, the complement: NIN is on the minus strand). VCF-style: chr14-50758573-C-G. GRCh37 (hg19) VCF-style: chr14-51225291-C-G.
Other names: c.2457G>C, p.Gln819His (NM_182944.3, NM_182946.2); c.2399+1284G>C (NM_016350.5); short protein forms Q819H.
Identifiers: ClinVar variation 4713942 (VCV004713942.1).

ClinVar aggregate classification (germline): Uncertain significance (1 of 4 stars; one submission).

Submission:

Labcorp Genetics (formerly Invitae), Labcorp
Classification: Uncertain significance. Last evaluated: 2025-02-26. Review status: criteria provided, single submitter. Criteria: Invitae Variant Classification Sherloc (09022015). Collection method: clinical testing. Allele origin: germline.
Comment: This sequence change replaces glutamine, which is neutral and polar, with histidine, which is basic and polar, at codon 819 of the NIN protein (p.Gln819His). This variant is not present in population databases (gnomAD no frequency). This variant has not been reported in the literature in individuals affected with NIN-related conditions. An algorithm developed to predict the effect of missense changes on protein structure and function (PolyPhen-2) suggests that this variant is likely to be disruptive. In summary, the available evidence is currently insufficient to determine the role of this variant in disease. Therefore, it has been classified as a Variant of Uncertain Significance.